The following is an entry in ClinVar:

NM_000520.6(HEXA):c.631_634del (p.Phe211fs)

Gene: HEXA (hexosaminidase subunit alpha; minus strand). Cytogenetic location: 15q23.
Variant type: Microsatellite.
Coding change: c.631_634del on transcript NM_000520.6 (MANE Select); coding-DNA positions 631 to 634, 4 bases deleted (TTCC; older notation c.631_634delTTCC).
Protein change: p.Phe211fs; shifts the reading frame from phenylalanine 211.
Molecular consequence: frameshift variant. On other transcripts: non-coding transcript variant (1).
Genome position (GRCh38, 1-based): chr15:72,351,171-72,351,174, GGAA deleted on the plus strand (TTCC on the coding strand, the reverse complement: HEXA is on the minus strand); deleting any 4 consecutive bases within chr15:72,351,171-72,351,181 gives the same sequence; the c. name uses the placement nearest the transcript's 3' end. VCF-style (leftmost placement, unchanged base first): chr15-72351170-GGGAA-G. GRCh37 (hg19) VCF-style: chr15-72643511-GGGAA-G.
Other names: c.664_667del, p.Phe222fs (NM_001318825.2); short protein forms F211fs, F222fs.
Identifiers: ClinVar variation 936196 (VCV000936196.14), dbSNP rs2088690227, ClinGen allele CA2186745645.

ClinVar aggregate classification (germline): Pathogenic. Review status: criteria provided, multiple submitters, no conflicts (2 of 4 stars). 3 submissions from 3 submitters: Pathogenic (2). 1 of the submissions does not count toward it. Last evaluated 2023-08-25.

Conditions:
Tay-Sachs disease (TSD). Also called: GM2 gangliosidosis, type 1; Hexosaminidase alpha-subunit deficiency (variant B); Sphingolipidosis, Tay-Sachs; Hexosaminidase A Deficiency; HEXA Disorders; HEXA DEFICIENCY. Identifiers: Orphanet 845, MedGen C0039373, MONDO:0010100, OMIM 272800.

Submissions (3):

Myriad Genetics, Inc.
Classification: Pathogenic for Tay-Sachs disease. Last evaluated: 2023-08-25. Review status: criteria provided, single submitter. Criteria: Myriad Autosomal Dominant, Autosomal Recessive and X-Linked Classification Criteria (2023). Collection method: clinical testing. Allele origin: unknown.
Comment: NM_000520.4(HEXA):c.631_634delTTCC(F211Hfs*11) is expected to be pathogenic in the context of hexosaminidase A deficiency. This variant is predicted to lead to an abnormal or absent protein product due to the creation of a premature termination codon in HEXA, a gene where loss-of-function variants are known to be pathogenic. Please note: this variant was assessed in the context of healthy population screening.

Labcorp Genetics (formerly Invitae), Labcorp
Classification: Pathogenic for Tay-Sachs disease. Last evaluated: 2022-03-22. Review status: criteria provided, single submitter. Criteria: Invitae Variant Classification Sherloc (09022015). Collection method: clinical testing. Allele origin: germline.
Comment: This sequence change creates a premature translational stop signal (p.Phe211Hisfs*11) in the HEXA gene. It is expected to result in an absent or disrupted protein product. Loss-of-function variants in HEXA are known to be pathogenic (PMID: 1833974, 8490625). This variant is not present in population databases (gnomAD no frequency). For these reasons, this variant has been classified as Pathogenic. ClinVar contains an entry for this variant (Variation ID: 936196). This variant is also known as c.624_627delTCCT. This premature translational stop signal has been observed in individuals with Tay–Sachs disease (PMID: 22441121).

Natera, Inc.
Classification: Pathogenic for Tay-Sachs disease. Last evaluated: 2021-01-05. Review status: no assertion criteria provided. Collection method: clinical testing. Allele origin: germline. Not counted in ClinVar's aggregate classification.

Literature cited by the submitters: PubMed 1833974 (cited by Labcorp Genetics (formerly Invitae), Labcorp); PubMed 8490625 (cited by Labcorp Genetics (formerly Invitae), Labcorp); PubMed 22441121 (cited by Labcorp Genetics (formerly Invitae), Labcorp).